The following is an entry in ClinVar:

ClinVar aggregate classification (germline): Pathogenic (1 of 4 stars; one submission).

Conditions:
Congenital glucose-galactose malabsorption (GGM). Also called: MONOSACCHARIDE MALABSORPTION; DIARRHEA 16. Identifiers: Orphanet 35710, MedGen C0268186, MONDO:0011731, OMIM 606824.

Submission:

Labcorp Genetics (formerly Invitae), Labcorp
Classification: Pathogenic for Congenital glucose-galactose malabsorption. Last evaluated: 2025-02-23. Review status: criteria provided, single submitter. Criteria: Invitae Variant Classification Sherloc (09022015). Collection method: clinical testing. Allele origin: germline.
Comment: This sequence change creates a premature translational stop signal (p.Leu87Trpfs*40) in the SLC5A1 gene. It is expected to result in an absent or disrupted protein product. Loss-of-function variants in SLC5A1 are known to be pathogenic (PMID: 8563765). This variant is not present in population databases (gnomAD no frequency). This variant has not been reported in the literature in individuals affected with SLC5A1-related conditions. Algorithms developed to predict the effect of sequence changes on RNA splicing suggest that this variant may disrupt the consensus splice site. For these reasons, this variant has been classified as Pathogenic.

Literature cited by the submitters: PubMed 8563765.

NM_000343.4(SLC5A1):c.259del (p.Leu87fs)

Gene: SLC5A1 (solute carrier family 5 member 1; plus strand). Cytogenetic location: 22q12.3.
Variant type: Deletion.
Coding change: c.259del on transcript NM_000343.4 (MANE Select); coding-DNA position 259, one base deleted (C; older notation c.259delC).
Protein change: p.Leu87fs; shifts the reading frame from leucine 87.
Molecular consequence: frameshift variant. On other transcripts: 5 prime UTR variant (1).
Genome position (GRCh38, 1-based): chr22:32,066,986, C deleted. VCF-style (leftmost placement, unchanged base first): chr22-32066985-GC-G. GRCh37 (hg19) VCF-style: chr22-32462972-GC-G.
Other names: c.-123del (NM_001256314.2); short protein forms L87fs.
Identifiers: ClinVar variation 3729850 (VCV003729850.2).